The following is an entry in ClinVar:

NM_014363.6(SACS):c.5328T>A (p.Asp1776Glu)

Gene: SACS (sacsin molecular chaperone; minus strand). Cytogenetic location: 13q12.12.
Variant type: single nucleotide variant.
Coding change: c.5328T>A on transcript NM_014363.6 (MANE Select); coding-DNA position 5328, T replaced by A.
Protein change: p.Asp1776Glu; replaces aspartic acid 1776 with glutamic acid.
Molecular consequence: missense variant.
Genome position (GRCh38, 1-based): chr13:23,338,548, A>T on the plus strand (T>A on the coding strand, the complement: SACS is on the minus strand). VCF-style: chr13-23338548-A-T. GRCh37 (hg19) VCF-style: chr13-23912687-A-T.
Other names: c.4887T>A, p.Asp1629Glu (NM_001278055.2); short protein forms D1629E, D1776E.
Identifiers: ClinVar variation 1972164 (VCV001972164.5), dbSNP rs2542268336, ClinGen allele CA387525910.

ClinVar aggregate classification (germline): Uncertain significance (1 of 4 stars; one submission).

Conditions:
Spastic paraplegia. Identifiers: MedGen C0037772, HP:0001258.

Submission:

Labcorp Genetics (formerly Invitae), Labcorp
Classification: Uncertain significance for Spastic paraplegia. Last evaluated: 2022-08-23. Review status: criteria provided, single submitter. Criteria: Invitae Variant Classification Sherloc (09022015). Collection method: clinical testing. Allele origin: germline.
Comment: In summary, the available evidence is currently insufficient to determine the role of this variant in disease. Therefore, it has been classified as a Variant of Uncertain Significance. Advanced modeling of protein sequence and biophysical properties (such as structural, functional, and spatial information, amino acid conservation, physicochemical variation, residue mobility, and thermodynamic stability) performed at Invitae indicates that this missense variant is not expected to disrupt SACS protein function. This variant has not been reported in the literature in individuals affected with SACS-related conditions. This variant is not present in population databases (gnomAD no frequency). This sequence change replaces aspartic acid, which is acidic and polar, with glutamic acid, which is acidic and polar, at codon 1776 of the SACS protein (p.Asp1776Glu).